The following is an entry in ClinVar:

NM_006946.4(SPTBN2):c.5736C>G (p.Phe1912Leu)

Gene: SPTBN2 (spectrin beta, non-erythrocytic 2; minus strand). Cytogenetic location: 11q13.2.
Variant type: single nucleotide variant.
Coding change: c.5736C>G on transcript NM_006946.4 (MANE Select); coding-DNA position 5736, C replaced by G.
Protein change: p.Phe1912Leu; replaces phenylalanine 1912 with leucine.
Molecular consequence: missense variant.
Genome position (GRCh38, 1-based): chr11:66,690,113, G>C on the plus strand (C>G on the coding strand, the complement: SPTBN2 is on the minus strand). VCF-style: chr11-66690113-G-C. GRCh37 (hg19) VCF-style: chr11-66457584-G-C.
Other names: short protein forms F1912L.
Identifiers: ClinVar variation 448516 (VCV000448516.6), dbSNP rs202247290, ClinGen allele CA6128164.

ClinVar aggregate classification (germline): Conflicting classifications of pathogenicity. Review status: criteria provided, conflicting classifications (1 of 4 stars). 2 submissions from 2 submitters: Uncertain significance (1); Likely benign (1). Last evaluated 2022-12-06.

Allele frequency attached by ClinVar (database versions not stated): gnomAD 0.00003 and 0.00005; gnomAD exomes 0.00006; TOPMed 0.00006; ExAC 0.00007; 1000 Genomes Project 30x 0.00094; 1000 Genomes Project 0.00100.
gnomAD v4.1: 50 of 1,614,276 alleles (0.0031%); highest among the groups gnomAD compares: Admixed American, 0.053%; 1 homozygote.

Submissions (2):

Labcorp Genetics (formerly Invitae), Labcorp
Classification: Uncertain significance. Last evaluated: 2022-12-06. Review status: criteria provided, single submitter. Criteria: Invitae Variant Classification Sherloc (09022015). Collection method: clinical testing. Allele origin: germline.
Comment: Advanced modeling of protein sequence and biophysical properties (such as structural, functional, and spatial information, amino acid conservation, physicochemical variation, residue mobility, and thermodynamic stability) has been performed at Invitae for this missense variant, however the output from this modeling did not meet the statistical confidence thresholds required to predict the impact of this variant on SPTBN2 protein function. This sequence change replaces phenylalanine, which is neutral and non-polar, with leucine, which is neutral and non-polar, at codon 1912 of the SPTBN2 protein (p.Phe1912Leu). This variant is present in population databases (rs202247290, gnomAD 0.03%). This variant has not been reported in the literature in individuals affected with SPTBN2-related conditions. ClinVar contains an entry for this variant (Variation ID: 448516). In summary, the available evidence is currently insufficient to determine the role of this variant in disease. Therefore, it has been classified as a Variant of Uncertain Significance.

Athena Diagnostics
Classification: Likely benign. Last evaluated: 2017-11-03. Review status: criteria provided, single submitter. Criteria: Athena Diagnostics Criteria. Collection method: clinical testing. Allele origin: germline.